The following is an entry in ClinVar:

ClinVar aggregate classification (germline): Likely pathogenic (1 of 4 stars; one submission).

Conditions:
Neurodevelopmental disorder with spasticity, cataracts, and cerebellar hypoplasia. Also called: NEURODEVELOPMENTAL DISORDER WITH SPASTICITY, CATARACTS, AND CEREBELLAR ATROPHY. Identifiers: MedGen C5543306, MONDO:0859137, OMIM 619286.

Submission:

Juno Genomics, Hangzhou Juno Genomics, Inc
Classification: Likely pathogenic for Neurodevelopmental disorder with spasticity, cataracts, and cerebellar hypoplasia. Review status: criteria provided, single submitter. Criteria: ACMG Guidelines, 2015. Collection method: clinical testing. Allele origin: germline.
Comment: Absent from controls (or at extremely low frequency if recessive) in Genome Aggregation Database.;Null variant in a gene where loss of function (LOF) is a known mechanism of disease.

NM_004269.4(MED27):c.692G>A (p.Trp231Ter)

Gene: MED27 (mediator complex subunit 27; minus strand). Cytogenetic location: 9q34.13.
Variant type: single nucleotide variant.
Coding change: c.692G>A on transcript NM_004269.4 (MANE Select); coding-DNA position 692, G replaced by A.
Protein change: p.Trp231Ter; replaces tryptophan 231 with a stop codon.
Molecular consequence: nonsense.
Genome position (GRCh38, 1-based): chr9:131,884,089, C>T on the plus strand (G>A on the coding strand, the complement: MED27 is on the minus strand). VCF-style: chr9-131884089-C-T. GRCh37 (hg19) VCF-style: chr9-134759476-C-T.
Other names: c.584G>A, p.Trp195Ter (NM_001253881.2); short protein forms W195*, W231*.
Identifiers: ClinVar variation 5019112 (VCV005019112.2).